The following is an entry in ClinVar:

NM_001927.4(DES):c.1013T>G (p.Leu338Arg)

Gene: DES (desmin; plus strand). Cytogenetic location: 2q35.
Variant type: single nucleotide variant.
Coding change: c.1013T>G on transcript NM_001927.4 (MANE Select); coding-DNA position 1013, T replaced by G.
Protein change: p.Leu338Arg; replaces leucine 338 with arginine.
Molecular consequence: missense variant.
Genome position (GRCh38, 1-based): chr2:219,420,943, T>G. VCF-style: chr2-219420943-T-G. GRCh37 (hg19) VCF-style: chr2-220285665-T-G.
Other names: c.1013T>G (LRG_380t1); short protein forms L338R.
Identifiers: ClinVar variation 66387 (VCV000066387.12), dbSNP rs57496341, ClinGen allele CA216999.

ClinVar aggregate classification (germline): Pathogenic/Likely pathogenic. Review status: criteria provided, multiple submitters, no conflicts (2 of 4 stars). 3 submissions from 3 submitters: Pathogenic (1); Likely pathogenic (1). 1 of the submissions does not count toward it. Last evaluated 2022-01-29.

Conditions:
Desmin-related myofibrillar myopathy (MFM1). Also called: Desminopathy; Desmin related myopathy (former name); Desmin storage myopathy (former name); MYOFIBRILLAR MYOPATHY WITH ARRHYTHMOGENIC RIGHT VENTRICULAR CARDIOMYOPATHY; DESMIN-RELATED MYOPATHY WITH ARRHYTHMOGENIC RIGHT VENTRICULAR CARDIOMYOPATHY; Myofibrillar myopathy 1. Identifiers: Orphanet 363543, Orphanet 98909, MedGen C1832370, MONDO:0011076, OMIM 601419.

Submissions (3):

Labcorp Genetics (formerly Invitae), Labcorp
Classification: Pathogenic for Desmin-related myofibrillar myopathy. Last evaluated: 2022-01-29. Review status: criteria provided, single submitter. Criteria: Invitae Variant Classification Sherloc (09022015). Collection method: clinical testing. Allele origin: germline.
Comment: Advanced modeling of protein sequence and biophysical properties (such as structural, functional, and spatial information, amino acid conservation, physicochemical variation, residue mobility, and thermodynamic stability) performed at Invitae indicates that this missense variant is expected to disrupt DES protein function. ClinVar contains an entry for this variant (Variation ID: 66387). This missense change has been observed in individuals with autosomal dominant desminopathy (PMID: 16865695, 18765652, 19181099; Invitae). It has also been observed to segregate with disease in related individuals. This variant is not present in population databases (gnomAD no frequency). This sequence change replaces leucine, which is neutral and non-polar, with arginine, which is basic and polar, at codon 338 of the DES protein (p.Leu338Arg). Experimental studies have shown that this missense change affects DES function (PMID: 16865695). For these reasons, this variant has been classified as Pathogenic.

GeneDx
Classification: Likely pathogenic. Last evaluated: 2016-08-18. Review status: criteria provided, single submitter. Criteria: GeneDx Variant Classification (06012015). Collection method: clinical testing. Allele origin: germline. Affected: yes.
Comment: The L338R variant has been previously reported in multiple patients with myofibrillar myopathy who did no harbor an additional DES variant (Goudeau et al., 2006; Fischer et al., 2008; Claeys et al., 2009); however, detailed familial segregation information was not provided in these cases. Functional studies demonstrate L338R disturbs the intermediate filament structure and produces desmin aggregates (Goudeau et al., 2006). The L338R variant was not observed in approximately 6,500 individuals of European and African American ancestry in the NHLBI Exome Sequencing Project, indicating it is not a common benign variant in these populations. This variant is a non-conservative amino acid substitution, which is likely to impact secondary protein structure as these residues differ in polarity, charge, size and/or other properties. This substitution occurs at a position that is conserved across species, and missense variants in nearby residues (D336Y; A337P; N342D) have been reported in the Human Gene Mutation Database in association with DES-related myopathy (Stenson et al., 2014). In silico analysis predicts this variant is probably damaging to the protein structure/function. Therefore, this variant is likely pathogenic; however, the possibility that it is benign cannot be excluded.

Epithelial Biology;  Institute of Medical Biology, Singapore
No classification provided. Review status: no classification provided. Collection method: not provided. Allele origin: not provided. Not counted in ClinVar's aggregate classification.

Literature cited by the submitters: PubMed 16865695 (cited by Labcorp Genetics (formerly Invitae), Labcorp); PubMed 18765652 (cited by Labcorp Genetics (formerly Invitae), Labcorp); PubMed 19181099 (cited by Labcorp Genetics (formerly Invitae), Labcorp).